The following is an entry in ClinVar:

NM_001429.4(EP300):c.4131T>G (p.His1377Gln)

Gene: EP300 (EP300 lysine acetyltransferase; plus strand). Cytogenetic location: 22q13.2.
Variant type: single nucleotide variant.
Coding change: c.4131T>G on transcript NM_001429.4 (MANE Select); coding-DNA position 4131, T replaced by G.
Protein change: p.His1377Gln; replaces histidine 1377 with glutamine.
Molecular consequence: missense variant.
Genome position (GRCh38, 1-based): chr22:41,168,826, T>G. VCF-style: chr22-41168826-T-G. GRCh37 (hg19) VCF-style: chr22-41564830-T-G.
Other names: c.4053T>G, p.His1351Gln (NM_001362843.2); short protein forms H1351Q, H1377Q.
Identifiers: ClinVar variation 3343320 (VCV003343320.2).

ClinVar aggregate classification (germline): Uncertain significance (1 of 4 stars; one submission).

Submission:

GeneDx
Classification: Uncertain significance. Last evaluated: 2026-03-18. Review status: criteria provided, single submitter. Criteria: GeneDx Variant Classification Process June 2021. Collection method: clinical testing. Allele origin: germline.
Comment: Not observed at significant frequency in large population cohorts (gnomAD); In silico analysis supports that this missense variant has a deleterious effect on protein structure/function; Has not been previously published as pathogenic or benign to our knowledge; In silico analysis suggests this variant may impact gene splicing. In the absence of RNA/functional studies, the actual effect of this sequence change is unknown.